The following is an entry in ClinVar:

ClinVar aggregate classification (germline): Conflicting classifications of pathogenicity. Review status: criteria provided, conflicting classifications (1 of 4 stars). 4 submissions from 4 submitters: Likely pathogenic (2); Uncertain significance (2). Last evaluated 2026-08-01.

Conditions:
DCTN1-related disorder. Also called: DCTN1-related condition.
Neuronopathy, distal hereditary motor, type 7B. Also called: Distal Hereditary Motor Neuronopathy Type 7B (dHMN7B); HMN VIIB; LOWER MOTOR NEURON DISEASE, DYNACTIN TYPE; NEURONOPATHY, DISTAL HEREDITARY MOTOR, AUTOSOMAL DOMINANT 14; NEURONOPATHY, DISTAL HEREDITARY MOTOR, HARDING TYPE VIIB; NEUROPATHY, DISTAL HEREDITARY MOTOR, HARDING TYPE VIIB. Identifiers: Orphanet 139589, MedGen C1843315, MONDO:0011879, OMIM 607641.
Perry syndrome. Also called: PARKINSONISM WITH ALVEOLAR HYPOVENTILATION AND MENTAL DEPRESSION. Identifiers: Orphanet 178509, MedGen C1868594, MONDO:0008201, OMIM 168605.
Amyotrophic lateral sclerosis type 1 (ALS1). Also called: AMYOTROPHIC LATERAL SCLEROSIS 1, FAMILIAL. Identifiers: Orphanet 803, MedGen C1862939, MONDO:0007103, OMIM 105400.
Amyotrophic lateral sclerosis (ALS). Also called: Lou Gehrig disease; Charcot disease. Identifiers: Orphanet 803, MedGen C0002736, MONDO:0004976, HP:0007354.

Allele frequency attached by ClinVar (database versions not stated): ExAC 0.00002; gnomAD 0.00002 and 0.00005; gnomAD exomes 0.00002; TOPMed 0.00002; 1000 Genomes Project 30x 0.00047; 1000 Genomes Project 0.00060.
gnomAD v4.1: 31 of 1,614,248 alleles (0.0019%); highest among the groups gnomAD compares: East Asian, 0.013%; no homozygotes.

Submissions (4):

CeGaT Center for Human Genetics Tuebingen
Classification: Likely pathogenic. Last evaluated: 2026-08-01. Review status: criteria provided, single submitter. Criteria: CeGaT Center For Human Genetics Tuebingen Variant Classification Criteria Version 2. Collection method: clinical testing. Allele origin: germline. Affected: yes. Observed: 1 variant allele.
Comment: DCTN1: PM2, PS4:Moderate, PP3, PS3:Supporting

3billion
Classification: Likely pathogenic for DCTN1-related disorder. Last evaluated: 2025-05-19. Review status: criteria provided, single submitter. Criteria: ACMG Guidelines, 2015. Collection method: clinical testing. Allele origin: germline. Affected: yes.
Comment: The variant is observed at an extremely low frequency in the gnomAD v4.1.0 dataset (total allele frequency: 0.002%). Predicted Consequence/Location: Missense variant Functional studies provide moderate evidence of the variant having a damaging effect on the gene or gene product (PMID: 27132499). In silico tool predictions suggest damaging effect of the variant on gene or gene product [REVEL: 0.84 (>=0.6, sensitivity 0.68 and specificity 0.92); 3Cnet: 1.00 (> 0.75, sensitivity 0.96 and precision 0.92)]. The same nucleotide change resulting in the same amino acid change has been previously reported to be associated with DCTN1-related disorder (PMID: 27132499). Therefore, this variant is classified as Likely pathogenic according to the recommendation of ACMG/AMP guideline.

Labcorp Genetics (formerly Invitae), Labcorp
Classification: Uncertain significance for Amyotrophic lateral sclerosis type 1; Neuronopathy, distal hereditary motor, type 7B; Perry syndrome. Last evaluated: 2023-04-18. Review status: criteria provided, single submitter. Criteria: Invitae Variant Classification Sherloc (09022015). Collection method: clinical testing. Allele origin: germline.
Comment: In summary, the available evidence is currently insufficient to determine the role of this variant in disease. Therefore, it has been classified as a Variant of Uncertain Significance. Experimental studies have shown that this missense change affects DCTN1 function (PMID: 27132499). Advanced modeling of protein sequence and biophysical properties (such as structural, functional, and spatial information, amino acid conservation, physicochemical variation, residue mobility, and thermodynamic stability) performed at Invitae indicates that this missense variant is expected to disrupt DCTN1 protein function. ClinVar contains an entry for this variant (Variation ID: 264686). This missense change has been observed in individual(s) with progressive supranuclear palsy (PMID: 27132499). This variant is present in population databases (rs566433112, gnomAD 0.02%). This sequence change replaces lysine, which is basic and polar, with arginine, which is basic and polar, at codon 56 of the DCTN1 protein (p.Lys56Arg).

Department of Pathology and Laboratory Medicine, Sinai Health System
Classification: Uncertain significance for amyotrophic lateral sclerosis. Last evaluated: 2023-04-08. Review status: criteria provided, single submitter. Criteria: ACMG Guidelines, 2015. Collection method: research. Allele origin: germline.

Literature cited by the submitters: PubMed 27132499 (cited by 3billion and Labcorp Genetics (formerly Invitae), Labcorp).

NM_004082.5(DCTN1):c.167A>G (p.Lys56Arg)

Gene: DCTN1 (dynactin subunit 1; minus strand). Cytogenetic location: 2p13.1.
Variant type: single nucleotide variant.
Coding change: c.167A>G on transcript NM_004082.5 (MANE Select); coding-DNA position 167, A replaced by G.
Protein change: p.Lys56Arg; replaces lysine 56 with arginine.
Molecular consequence: missense variant. On other transcripts: non-coding transcript variant (1).
Genome position (GRCh38, 1-based): chr2:74,378,112, T>C on the plus strand (A>G on the coding strand, the complement: DCTN1 is on the minus strand). VCF-style: chr2-74378112-T-C. GRCh37 (hg19) VCF-style: chr2-74605239-T-C.
Other names: c.167A>G, p.Lys56Arg (NM_001135040.3, NM_001190837.2); c.116A>G, p.Lys39Arg (NM_001190836.2, NM_001378991.1, NM_001378992.1); short protein forms K39R, K56R.
Identifiers: ClinVar variation 264686 (VCV000264686.12), dbSNP rs566433112, ClinGen allele CA1722597.